The following is an entry in ClinVar:

ClinVar aggregate classification (germline): Likely benign (1 of 4 stars; one submission).

Conditions:
MAB21L2-related disorder. Also called: MAB21L2-related condition.

gnomAD v4.1: 1 of 1,614,172 alleles (0.000062%); highest among the groups gnomAD compares: South Asian, 0.0011%; no homozygotes.

Submission:

PreventionGenetics, part of Exact Sciences
Classification: Likely benign for MAB21L2-related condition. Last evaluated: 2025-01-27. Review status: criteria provided, single submitter. Criteria: ACMG Guidelines, 2015. Collection method: clinical testing. Allele origin: germline.
Comment: This variant is classified as likely benign based on ACMG/AMP sequence variant interpretation guidelines (Richards et al. 2015 PMID: 25741868, with internal and published modifications).

NM_006439.5(MAB21L2):c.772C>A (p.Arg258=)

Genes: LRBA (LPS responsive beige-like anchor protein; minus strand), MAB21L2 (mab-21 like 2; plus strand). Cytogenetic location: 4q31.3.
Variant type: single nucleotide variant.
Coding change: c.772C>A on transcript NM_006439.5 (MANE Select); coding-DNA position 772, C replaced by A.
Protein change: p.Arg258=; no amino-acid change (arginine 258 retained).
Molecular consequence: synonymous variant. On other transcripts: intron variant (6).
Genome position (GRCh38, 1-based): chr4:150,583,801, C>A. VCF-style: chr4-150583801-C-A. GRCh37 (hg19) VCF-style: chr4-151504953-C-A.
Other names: c.6330+4247G>T (NM_001367550.1, NM_001199282.3, NM_001364905.1 and 1 more transcripts); c.6363+4247G>T (NM_006726.5, NM_001440430.1).
Identifiers: ClinVar variation 4978317 (VCV004978317.1).